The following is an entry in ClinVar:

NM_001267550.2(TTN):c.61121C>T (p.Pro20374Leu)

Genes: TTN (titin; minus strand), TTN-AS1 (TTN antisense RNA 1; plus strand). Cytogenetic location: 2q31.2.
Variant type: single nucleotide variant.
Coding change: c.61121C>T on transcript NM_001267550.2 (MANE Select); coding-DNA position 61121, C replaced by T.
Protein change: p.Pro20374Leu; replaces proline 20374 with leucine.
Molecular consequence: missense variant.
Genome position (GRCh38, 1-based): chr2:178,590,604, G>A on the plus strand (C>T on the coding strand, the complement: TTN is on the minus strand). VCF-style: chr2-178590604-G-A. GRCh37 (hg19) VCF-style: chr2-179455331-G-A.
Other names: c.56198C>T, p.Pro18733Leu (NM_001256850.1); c.33926C>T, p.Pro11309Leu (NM_003319.4); c.53417C>T, p.Pro17806Leu (NM_133378.4); c.34301C>T, p.Pro11434Leu (NM_133432.3); c.34502C>T, p.Pro11501Leu (NM_133437.4); short protein forms P11434L, P17806L, P18733L, P20374L, P11309L, P11501L.
Identifiers: ClinVar variation 679978 (VCV000679978.2), dbSNP rs372969669, ClinGen allele CA1992405.

ClinVar aggregate classification (germline): Likely benign. Review status: criteria provided, single submitter (1 of 4 stars). 2 submissions from 2 submitters: Likely benign (1). 1 of the submissions does not count toward it. Last evaluated 2018-03-05.

Conditions:
TTN-related disorder. Also called: TTN-related condition; TTN-related disease; TTN-related disorders.

Allele frequency attached by ClinVar (database versions not stated): gnomAD exomes below 0.00001; gnomAD 0.00001; ExAC 0.00002; TOPMed 0.00002; ESP Exome Variant Server 0.00017.
gnomAD v4.1: 2 of 1,612,744 alleles (0.00012%); highest among the groups gnomAD compares: African/African-American, 0.0027%; no homozygotes.

Submissions (2):

GeneDx
Classification: Likely benign. Last evaluated: 2018-03-05. Review status: criteria provided, single submitter. Criteria: GeneDx Variant Classification (06012015). Collection method: clinical testing. Allele origin: germline. Affected: yes.
Comment: This variant is considered likely benign or benign based on one or more of the following criteria: it is a conservative change, it occurs at a poorly conserved position in the protein, it is predicted to be benign by multiple in silico algorithms, and/or has population frequency not consistent with disease.

PreventionGenetics, part of Exact Sciences
Classification: Uncertain significance for TTN-related condition. Last evaluated: 2024-06-22. Review status: no assertion criteria provided. Collection method: clinical testing. Allele origin: germline. Not counted in ClinVar's aggregate classification.
Comment: The TTN c.61121C>T variant is predicted to result in the amino acid substitution p.Pro20374Leu. This variant has been reported to be associated with electrocardiographic QT interval in a population-based study; however, no additional studies were performed to help assess the pathogenicity of this variant (Kapoor et al. 2016. PubMed ID: 27321809). This variant is reported in 0.0083% of alleles in individuals of African descent in gnomAD. At this time, the clinical significance of this variant is uncertain due to the absence of conclusive functional and genetic evidence.